The following is an entry in ClinVar:

ClinVar aggregate classification (germline): Uncertain significance (1 of 4 stars; one submission).

Conditions:
Ehlers-Danlos syndrome, classic type, 1 (EDSCL1). Also called: EDS I; Ehlers-Danlos syndrome, type 1; EHLERS-DANLOS SYNDROME, GRAVIS TYPE; EHLERS-DANLOS SYNDROME, SEVERE CLASSIC TYPE; Ehlers-Danlos Syndrome, Classic Type, COL5A1-Related. Identifiers: MedGen C0268335, MONDO:0019567, OMIM 130000.

Submission:

Labcorp Genetics (formerly Invitae), Labcorp
Classification: Uncertain significance for Ehlers-Danlos syndrome, classic type, 1. Last evaluated: 2022-09-06. Review status: criteria provided, single submitter. Criteria: Invitae Variant Classification Sherloc (09022015). Collection method: clinical testing. Allele origin: germline.
Comment: This sequence change replaces serine, which is neutral and polar, with isoleucine, which is neutral and non-polar, at codon 1408 of the COL5A2 protein (p.Ser1408Ile). This variant is not present in population databases (gnomAD no frequency). This variant has not been reported in the literature in individuals affected with COL5A2-related conditions. Advanced modeling of protein sequence and biophysical properties (such as structural, functional, and spatial information, amino acid conservation, physicochemical variation, residue mobility, and thermodynamic stability) performed at Invitae indicates that this missense variant is not expected to disrupt COL5A2 protein function. Algorithms developed to predict the effect of sequence changes on RNA splicing suggest that this variant may create or strengthen a splice site. In summary, the available evidence is currently insufficient to determine the role of this variant in disease. Therefore, it has been classified as a Variant of Uncertain Significance.

NM_000393.5(COL5A2):c.4223G>T (p.Ser1408Ile)

Gene: COL5A2 (collagen type V alpha 2 chain; minus strand). Cytogenetic location: 2q32.2.
Variant type: single nucleotide variant.
Coding change: c.4223G>T on transcript NM_000393.5 (MANE Select); coding-DNA position 4223, G replaced by T.
Protein change: p.Ser1408Ile; replaces serine 1408 with isoleucine.
Molecular consequence: missense variant.
Genome position (GRCh38, 1-based): chr2:189,035,046, C>A on the plus strand (G>T on the coding strand, the complement: COL5A2 is on the minus strand). VCF-style: chr2-189035046-C-A. GRCh37 (hg19) VCF-style: chr2-189899772-C-A.
Other names: short protein forms S1408I.
Identifiers: ClinVar variation 1718932 (VCV001718932.6), dbSNP rs2469209547, ClinGen allele CA349855065.